The following is an entry in ClinVar:

NM_020937.4(FANCM):c.1859A>T (p.His620Leu)

Gene: FANCM (FA complementation group M; plus strand). Cytogenetic location: 14q21.2.
Variant type: single nucleotide variant.
Coding change: c.1859A>T on transcript NM_020937.4 (MANE Select); coding-DNA position 1859, A replaced by T.
Protein change: p.His620Leu; replaces histidine 620 with leucine.
Molecular consequence: missense variant.
Genome position (GRCh38, 1-based): chr14:45,167,020, A>T. VCF-style: chr14-45167020-A-T. GRCh37 (hg19) VCF-style: chr14-45636223-A-T.
Other names: c.1781A>T, p.His594Leu (NM_001308133.2); c.1859A>T, p.His620Leu (NM_001308134.2); short protein forms H620L, H594L.
Identifiers: ClinVar variation 4619456 (VCV004619456.1).

ClinVar aggregate classification (germline): Uncertain significance (1 of 4 stars; one submission).

Conditions:
Inborn genetic diseases. Identifiers: MedGen C0950123, MeSH D030342.

Submission:

Ambry Genetics
Classification: Uncertain significance for Inborn genetic diseases. Last evaluated: 2025-09-28. Review status: criteria provided, single submitter. Criteria: Ambry Variant Classification Scheme 2023. Collection method: clinical testing. Allele origin: germline.
Comment: The p.H620L variant (also known as c.1859A>T), located in coding exon 11 of the FANCM gene, results from an A to T substitution at nucleotide position 1859. The histidine at codon 620 is replaced by leucine, an amino acid with similar properties. This amino acid position is conserved. In addition, this alteration is predicted to be tolerated by in silico analysis. Based on the available evidence, the clinical significance of this variant remains unclear.